The following is an entry in ClinVar:

ClinVar aggregate classification (germline): Likely pathogenic (1 of 4 stars; one submission).

Conditions:
MPI-congenital disorder of glycosylation. Also called: CONGENITAL DISORDER OF GLYCOSYLATION, TYPE Ib; CDG Ib; MANNOSEPHOSPHATE ISOMERASE DEFICIENCY; MPI DEFICIENCY; PROTEIN-LOSING ENTEROPATHY-HEPATIC FIBROSIS SYNDROME; MPI-CDG. Identifiers: Orphanet 79319, MedGen C1865145, MONDO:0011257, OMIM 602579.

gnomAD v4.1: 1 of 1,614,132 alleles (0.000062%); highest among the groups gnomAD compares: South Asian, 0.0011%; no homozygotes.

Submission:

Natera, Inc.
Classification: Likely pathogenic for Congenital disorder of glycosylation type 1b. Last evaluated: 2025-01-15. Review status: criteria provided, single submitter. Criteria: Natera Variant Classification Schema (03/2026). Collection method: clinical testing. Allele origin: germline.
Comment: The c.845-1G>T variant in MPI is a canonical splice acceptor site variant predicted to affect pre-mRNA splicing, which may result in an abnormal transcript and altered protein product. This variant is expected to result in nonsense mediated decay, truncation, or a dysfunctional protein product. This variant is rare in the general population with a frequency below the threshold expected for the associated phenotype(s). Given the available evidence, this variant is classified as Likely Pathogenic.

NM_002435.3(MPI):c.845-1G>T

Gene: MPI (mannose phosphate isomerase; plus strand). Cytogenetic location: 15q24.1.
Variant type: single nucleotide variant.
Coding change: c.845-1G>T on transcript NM_002435.3 (MANE Select); the canonical splice acceptor site of the intron before coding-DNA position 845, G replaced by T.
Molecular consequence: splice acceptor variant. On other transcripts: intron variant (1).
Genome position (GRCh38, 1-based): chr15:74,897,010, G>T. VCF-style: chr15-74897010-G-T. GRCh37 (hg19) VCF-style: chr15-75189351-G-T.
Other names: c.785-1G>T (NM_001330372.2); c.845-502G>T (NM_001289155.2); c.662-1G>T (NM_001289157.2); c.695-1G>T (NM_001289156.2).
Identifiers: ClinVar variation 4057863 (VCV004057863.2).